The following is an entry in ClinVar:

NM_006904.7(PRKDC):c.5563T>C (p.Phe1855Leu)

Gene: PRKDC (protein kinase, DNA-activated, catalytic subunit; minus strand). Cytogenetic location: 8q11.21.
Variant type: single nucleotide variant.
Coding change: c.5563T>C on transcript NM_006904.7 (MANE Select); coding-DNA position 5563, T replaced by C.
Protein change: p.Phe1855Leu; replaces phenylalanine 1855 with leucine.
Molecular consequence: missense variant.
Genome position (GRCh38, 1-based): chr8:47,864,564, A>G on the plus strand (T>C on the coding strand, the complement: PRKDC is on the minus strand). VCF-style: chr8-47864564-A-G. GRCh37 (hg19) VCF-style: chr8-48777125-A-G.
Other names: c.5563T>C, p.Phe1855Leu (NM_001081640.2); short protein forms F1855L.
Identifiers: ClinVar variation 3310166 (VCV003310166.1).

ClinVar aggregate classification (germline): Uncertain significance (1 of 4 stars; one submission).

Submission:

Ambry Genetics
Classification: Uncertain significance. Last evaluated: 2024-05-28. Review status: criteria provided, single submitter. Criteria: Ambry Variant Classification Scheme 2023. Collection method: clinical testing. Allele origin: germline.
Comment: The p.F1855L variant (also known as c.5563T>C), located in coding exon 41 of the PRKDC gene, results from a T to C substitution at nucleotide position 5563. The phenylalanine at codon 1855 is replaced by leucine, an amino acid with highly similar properties. This amino acid position is conserved. In addition, this alteration is predicted to be deleterious by in silico analysis. Based on the available evidence, the clinical significance of this variant remains unclear.